The following is an entry in ClinVar:

NM_000553.6(WRN):c.717A>G (p.Ile239Met)

Gene: WRN (WRN RecQ like helicase; plus strand). Cytogenetic location: 8p12.
Variant type: single nucleotide variant.
Coding change: c.717A>G on transcript NM_000553.6 (MANE Select); coding-DNA position 717, A replaced by G.
Protein change: p.Ile239Met; replaces isoleucine 239 with methionine.
Molecular consequence: missense variant.
Genome position (GRCh38, 1-based): chr8:31,068,320, A>G. VCF-style: chr8-31068320-A-G. GRCh37 (hg19) VCF-style: chr8-30925836-A-G.
Other names: short protein forms I239M.
Identifiers: ClinVar variation 2123837 (VCV002123837.4), dbSNP rs1355716648, ClinGen allele CA370917184.
Genomic context (GRCh38, chr8:31,068,320, plus strand): 5'-TGGTTTTATTATTTACCGAAATTTAGAGATTTTGGATGATACTGTGCAAAGGTTTGCTAT[A>G]AATAAAGGTATGTTAAGATCCATAAATAAAATGTGAATTCACTCTTTTGTGAGGTTTATC-3'
Protein context (NP_000544.2, residues 229-249): ILDDTVQRFA[Ile239Met]NKEEEILLSD

ClinVar aggregate classification (germline): Uncertain significance (1 of 4 stars; one submission).

Conditions:
Werner syndrome (WRN). Identifiers: Orphanet 902, MedGen C0043119, MONDO:0010196, OMIM 277700.

Submission:

Labcorp Genetics (formerly Invitae), Labcorp
Classification: Uncertain significance for Werner syndrome. Last evaluated: 2022-10-18. Review status: criteria provided, single submitter. Criteria: Invitae Variant Classification Sherloc (09022015). Collection method: clinical testing. Allele origin: germline.
Comment: Algorithms developed to predict the effect of missense changes on protein structure and function are either unavailable or do not agree on the potential impact of this missense change (SIFT: "Not Available"; PolyPhen-2: "Benign"; Align-GVGD: "Not Available"). This sequence change replaces isoleucine, which is neutral and non-polar, with methionine, which is neutral and non-polar, at codon 239 of the WRN protein (p.Ile239Met). This variant is not present in population databases (gnomAD no frequency). This variant has not been reported in the literature in individuals affected with WRN-related conditions. In summary, the available evidence is currently insufficient to determine the role of this variant in disease. Therefore, it has been classified as a Variant of Uncertain Significance.